The following is an entry in ClinVar:

ClinVar aggregate classification (germline): Uncertain significance (1 of 4 stars; one submission).

Conditions:
RASopathy. Also called: rasopathies; Noonan spectrum disorder. Identifiers: Orphanet 536391, MedGen C5555857, MONDO:0021060.

gnomAD v4.1: 11 of 1,614,006 alleles (0.00068%); highest among the groups gnomAD compares: Non-Finnish European, 0.00093%; no homozygotes.

Submission:

Labcorp Genetics (formerly Invitae), Labcorp
Classification: Uncertain significance for RASopathy. Last evaluated: 2024-07-27. Review status: criteria provided, single submitter. Criteria: Invitae Variant Classification Sherloc (09022015). Collection method: clinical testing. Allele origin: germline.
Comment: This sequence change replaces proline, which is neutral and non-polar, with threonine, which is neutral and polar, at codon 505 of the RAF1 protein (p.Pro505Thr). This variant is present in population databases (rs758684190, gnomAD 0.0009%). This variant has not been reported in the literature in individuals affected with RAF1-related conditions. Advanced modeling of protein sequence and biophysical properties (such as structural, functional, and spatial information, amino acid conservation, physicochemical variation, residue mobility, and thermodynamic stability) has been performed at Invitae for this missense variant, however the output from this modeling did not meet the statistical confidence thresholds required to predict the impact of this variant on RAF1 protein function. In summary, the available evidence is currently insufficient to determine the role of this variant in disease. Therefore, it has been classified as a Variant of Uncertain Significance.

NM_002880.4(RAF1):c.1513C>A (p.Pro505Thr)

Gene: RAF1 (Raf-1 proto-oncogene, serine/threonine kinase; minus strand). Cytogenetic location: 3p25.2.
Variant type: single nucleotide variant.
Coding change: c.1513C>A on transcript NM_002880.4 (MANE Select); coding-DNA position 1513, C replaced by A.
Protein change: p.Pro505Thr; replaces proline 505 with threonine.
Molecular consequence: missense variant. On other transcripts: non-coding transcript variant (3).
Genome position (GRCh38, 1-based): chr3:12,585,704, G>T on the plus strand (C>A on the coding strand, the complement: RAF1 is on the minus strand). VCF-style: chr3-12585704-G-T. GRCh37 (hg19) VCF-style: chr3-12627203-G-T.
Other names: c.1270C>A, p.Pro424Thr (NM_001354691.3, NM_001354692.3); c.1414C>A, p.Pro472Thr (NM_001354693.3); c.1330C>A, p.Pro444Thr (NM_001354694.3); c.1171C>A, p.Pro391Thr (NM_001354695.3); c.1573C>A, p.Pro525Thr (NM_001354689.3); c.1513C>A, p.Pro505Thr (NM_001354690.3); short protein forms P424T, P505T, P472T, P525T, P391T, P444T.
Identifiers: ClinVar variation 3718188 (VCV003718188.2).